The following is an entry in ClinVar:

NM_206933.4(USH2A):c.13823G>C (p.Arg4608Pro)

Gene: USH2A (usherin; minus strand). Cytogenetic location: 1q41.
Variant type: single nucleotide variant.
Coding change: c.13823G>C on transcript NM_206933.4 (MANE Select); coding-DNA position 13823, G replaced by C.
Protein change: p.Arg4608Pro; replaces arginine 4608 with proline.
Molecular consequence: missense variant.
Genome position (GRCh38, 1-based): chr1:215,671,282, C>G on the plus strand (G>C on the coding strand, the complement: USH2A is on the minus strand). VCF-style: chr1-215671282-C-G. GRCh37 (hg19) VCF-style: chr1-215844624-C-G.
Other names: short protein forms R4608P.
Identifiers: ClinVar variation 2061137 (VCV002061137.4), dbSNP rs776471973, ClinGen allele CA344842016.

ClinVar aggregate classification (germline): Uncertain significance (1 of 4 stars; one submission).

Submission:

Labcorp Genetics (formerly Invitae), Labcorp
Classification: Uncertain significance. Last evaluated: 2021-12-25. Review status: criteria provided, single submitter. Criteria: Invitae Variant Classification Sherloc (09022015). Collection method: clinical testing. Allele origin: germline.
Comment: Algorithms developed to predict the effect of missense changes on protein structure and function are either unavailable or do not agree on the potential impact of this missense change (SIFT: "Deleterious"; PolyPhen-2: "Possibly Damaging"; Align-GVGD: "Class C15"). In summary, the available evidence is currently insufficient to determine the role of this variant in disease. Therefore, it has been classified as a Variant of Uncertain Significance. This variant has not been reported in the literature in individuals affected with USH2A-related conditions. This variant is not present in population databases (gnomAD no frequency). This sequence change replaces arginine, which is basic and polar, with proline, which is neutral and non-polar, at codon 4608 of the USH2A protein (p.Arg4608Pro).